The following is an entry in ClinVar:

NM_001029883.3(PCARE):c.99G>A (p.Gln33=)

Gene: PCARE (photoreceptor cilium actin regulator; minus strand). Cytogenetic location: 2p23.2.
Variant type: single nucleotide variant.
Coding change: c.99G>A on transcript NM_001029883.3 (MANE Select); coding-DNA position 99, G replaced by A.
Protein change: p.Gln33=; no amino-acid change (glutamine 33 retained).
Molecular consequence: synonymous variant.
Genome position (GRCh38, 1-based): chr2:29,074,163, C>T on the plus strand (G>A on the coding strand, the complement: PCARE is on the minus strand). VCF-style: chr2-29074163-C-T. GRCh37 (hg19) VCF-style: chr2-29297029-C-T.
Identifiers: ClinVar variation 285034 (VCV000285034.44), dbSNP rs146455733, ClinGen allele CA1592722.

ClinVar aggregate classification (germline): Conflicting classifications of pathogenicity. Review status: criteria provided, conflicting classifications (1 of 4 stars). 5 submissions from 5 submitters: Uncertain significance (1); Benign (1); Likely benign (3). Last evaluated 2026-09-01.

Conditions:
Retinitis pigmentosa (RP). Identifiers: Orphanet 791, MedGen C0035334, MeSH D012174, MONDO:0019200, OMIM 268000. Inheritance: Autosomal dominant, autosomal recessive and X linked inheritance.

Allele frequency attached by ClinVar (database versions not stated): 1000 Genomes Project 30x 0.00078; TOPMed 0.00088; 1000 Genomes Project 0.00100; gnomAD 0.00103 and 0.00106; gnomAD exomes 0.00124 and 0.00153; ExAC 0.00168; ESP Exome Variant Server 0.00170.
gnomAD v4.1: 1,937 of 1,610,772 alleles (0.12%); highest among the groups gnomAD compares: Non-Finnish European, 0.14%; 4 homozygotes.

Submissions (5):

CeGaT Center for Human Genetics Tuebingen
Classification: Likely benign. Last evaluated: 2026-09-01. Review status: criteria provided, single submitter. Criteria: CeGaT Center For Human Genetics Tuebingen Variant Classification Criteria Version 2. Collection method: clinical testing. Allele origin: germline. Affected: yes. Observed: 6 variant alleles.
Comment: PCARE: BP4, BP7

Labcorp Genetics (formerly Invitae), Labcorp
Classification: Benign. Last evaluated: 2025-11-22. Review status: criteria provided, single submitter. Criteria: Invitae Variant Classification Sherloc (09022015). Collection method: clinical testing. Allele origin: germline.

Blueprint Genetics
Classification: Likely benign. Last evaluated: 2024-11-19. Review status: criteria provided, single submitter. Criteria: ACMG Guidelines, 2015. Collection method: clinical testing. Allele origin: germline.

Illumina Laboratory Services, Illumina
Classification: Uncertain significance for Retinitis pigmentosa. Last evaluated: 2018-01-13. Review status: criteria provided, single submitter. Criteria: ICSL Variant Classification Criteria 13 December 2019. Collection method: clinical testing. Allele origin: germline.

Eurofins Ntd Llc (ga)
Classification: Likely benign. Last evaluated: 2015-12-07. Review status: criteria provided, single submitter. Criteria: EGL Classification Definitions 2015. Collection method: clinical testing. Allele origin: germline. Observed: 1 variant allele, 1 heterozygote.

Literature cited by the submitters: PubMed 20811058 (cited by Eurofins Ntd Llc (ga)).